The following is an entry in ClinVar:

ClinVar aggregate classification (germline): Pathogenic/Likely pathogenic. Review status: criteria provided, multiple submitters, no conflicts (2 of 4 stars). 10 submissions from 10 submitters: Pathogenic (7); Likely pathogenic (1). 2 of the submissions do not count toward it. Last evaluated 2025-12-15.

Conditions:
TIA1-related disorder. Also called: TIA1-related condition.
Welander distal myopathy (WDM). Also called: Gower's muscular dystrophy; Welander distal myopathy, Swedish type; Distal myopathy, Swedish type; MUSCULAR DYSTROPHY, DISTAL, LATE-ONSET, AUTOSOMAL DOMINANT. Identifiers: Orphanet 603, MedGen C0221054, MONDO:0011466, OMIM 604454.

Allele frequency attached by ClinVar (database versions not stated): TOPMed 0.00001; gnomAD 0.00002; gnomAD exomes 0.00002 and 0.00004; ExAC 0.00006.
gnomAD v4.1: 35 of 1,612,010 alleles (0.0022%); highest among the groups gnomAD compares: Non-Finnish European, 0.0018%; no homozygotes.

Submissions (10):

Labcorp Genetics (formerly Invitae), Labcorp
Classification: Pathogenic for Welander distal myopathy. Last evaluated: 2025-12-15. Review status: criteria provided, single submitter. Criteria: Invitae Variant Classification Sherloc (09022015). Collection method: clinical testing. Allele origin: germline.
Comment: This sequence change replaces glutamic acid, which is acidic and polar, with lysine, which is basic and polar, at codon 384 of the TIA1 protein (p.Glu384Lys). This variant is present in population databases (rs747068278, gnomAD 0.007%). This missense change has been observed in individuals with Welander distal myopathy (WDM) (PMID: 10482271, 23348830, 23401021, 27282841). It is commonly reported in individuals of Finnish ancestry (PMID: 10482271, 23348830, 23401021, 27282841). ClinVar contains an entry for this variant (Variation ID: 41480). An algorithm developed to predict the effect of missense changes on protein structure and function (PolyPhen-2) suggests that this variant is likely to be tolerated. Experimental studies have shown that this missense change affects TIA1 function (PMID: 23401021, 28817800). Algorithms developed to predict the effect of sequence changes on RNA splicing suggest that this variant may disrupt the consensus splice site. For these reasons, this variant has been classified as Pathogenic.

Clinical Genetics Laboratory, Region Ostergotland
Classification: Pathogenic for Welander distal myopathy. Last evaluated: 2025-07-31. Review status: criteria provided, single submitter. Criteria: ACMG Guidelines, 2015. Collection method: clinical testing. Allele origin: germline. Affected: yes.
Comment: The NM_022173.4:c.1150G>A variant was found in three probands with the disease. The variant is rare in population database (0.00217% gnomAD v4.1.0). The variant is reported to associate with Welander distal myopathy (PMID:23348830). The following ACMG/AMP criteria were applied in classifying this variant: PS3, PS4, BP4_moderate

Blueprint Genetics
Classification: Pathogenic for TIA1-related disorders. Last evaluated: 2024-11-26. Review status: criteria provided, single submitter. Criteria: ACMG Guidelines, 2015. Collection method: clinical testing. Allele origin: germline. Affected: yes. Observed: 5 variant alleles.

Athena Diagnostics
Classification: Likely pathogenic. Last evaluated: 2024-09-05. Review status: criteria provided, single submitter. Criteria: Athena Diagnostics Criteria. Collection method: clinical testing. Allele origin: unknown.
Comment: The frequency of this variant in the general population is consistent with pathogenicity. This variant is statistically more frequent in affected individuals than in the general population and/or healthy controls. The variant is a common founder associated with Welander distal myopathy originating from Finland and Sweden (PMID: 23348830, 23401021). Assessment of experimental evidence suggests this variant results in abnormal protein function. (PMID: 23401021, 28817800)

Clinical Genetics Laboratory, Skane University Hospital Lund
Classification: Pathogenic. Last evaluated: 2024-01-29. Review status: criteria provided, single submitter. Criteria: ACMG Guidelines, 2015. Collection method: clinical testing. Allele origin: germline. Affected: yes.

GeneDx
Classification: Pathogenic. Last evaluated: 2019-08-17. Review status: criteria provided, single submitter. Criteria: GeneDx Variant Classification Process June 2021. Collection method: clinical testing. Allele origin: germline. Affected: yes.
Comment: Published functional studies demonstrate a damaging effect (increase in stress granule abundance) (Hackman et al., 2013); This variant is associated with the following publications: (PMID: 23348830, 23401021, 10482271, 27282841, 28221306, 28817800, 30348846, 31321302, 33144682)

Revvity Omics, Revvity
Classification: Pathogenic. Last evaluated: 2019-03-22. Review status: criteria provided, single submitter. Criteria: ACMG Guidelines, 2015. Collection method: clinical testing. Allele origin: germline.

Clinical Genetics and Genomics, Karolinska University Hospital
Classification: Pathogenic. Last evaluated: 2014-07-01. Review status: criteria provided, single submitter. Criteria: ACMG Guidelines, 2015. Collection method: clinical testing. Allele origin: germline. Affected: yes. Observed: 55 variant alleles.

Clinical Genetics Laboratory, University Hospital Schleswig-Holstein
Classification: Pathogenic for Welander distal myopathy. Last evaluated: 2024-04-19. Review status: no assertion criteria provided. Collection method: clinical testing. Allele origin: germline. Affected: yes. Not counted in ClinVar's aggregate classification.

OMIM
Classification: Pathogenic for WELANDER DISTAL MYOPATHY. Last evaluated: 2013-04-01. Review status: no assertion criteria provided. Collection method: literature only. Allele origin: germline. Not counted in ClinVar's aggregate classification.

Literature cited by the submitters: PubMed 10482271 (cited by Labcorp Genetics (formerly Invitae), Labcorp); PubMed 23348830 (cited by 4 submitters); PubMed 23401021 (cited by 3 submitters); PubMed 27282841 (cited by Labcorp Genetics (formerly Invitae), Labcorp and Athena Diagnostics); PubMed 28817800 (cited by Labcorp Genetics (formerly Invitae), Labcorp and Athena Diagnostics); PubMed 37273706 (cited by Athena Diagnostics); PubMed 28221306 (cited by Athena Diagnostics); PubMed 36628841 (cited by Athena Diagnostics); PubMed 33144682 (cited by Athena Diagnostics); PubMed 31321302 (cited by Athena Diagnostics); PubMed 33726816 (cited by Athena Diagnostics); PubMed 36861178 (cited by Athena Diagnostics); PubMed 35269506 (cited by Athena Diagnostics); PubMed 35163320 (cited by Athena Diagnostics).

NM_022173.4(TIA1):c.1150G>A (p.Glu384Lys)

Gene: TIA1 (TIA1 cytotoxic granule associated RNA binding protein; minus strand). Cytogenetic location: 2p13.3.
Variant type: single nucleotide variant.
Coding change: c.1150G>A on transcript NM_022173.4 (MANE Select); coding-DNA position 1150, G replaced by A.
Protein change: p.Glu384Lys; replaces glutamic acid 384 with lysine.
Molecular consequence: missense variant. On other transcripts: non-coding transcript variant (17).
Genome position (GRCh38, 1-based): chr2:70,212,730, C>T on the plus strand (G>A on the coding strand, the complement: TIA1 is on the minus strand). VCF-style: chr2-70212730-C-T. GRCh37 (hg19) VCF-style: chr2-70439862-C-T.
Other names: c.1147G>A, p.Glu383Lys (NM_001351508.2); c.1123G>A, p.Glu375Lys (NM_001351509.2); c.1114G>A, p.Glu372Lys (NM_001351510.2); c.1039G>A, p.Glu347Lys (NM_001351511.1); c.1012G>A, p.Glu338Lys (NM_001351512.1); c.1006G>A, p.Glu336Lys (NM_001351513.1); c.922G>A, p.Glu308Lys (NM_001351514.2); c.847G>A, p.Glu283Lys (NM_001351515.2); and 4 more; short protein forms E384K, E243K, E308K, E336K, E244K, E372K, E373K, E383K.
Identifiers: ClinVar variation 41480 (VCV000041480.26), dbSNP rs747068278, ClinGen allele CA1697383.
Genomic context (GRCh38, chr2:70,212,730, plus strand): 5'-ACACTCCCTGTAGCCTCAAGCCACTGGCTTTAGATTCTGGAGTCCTTATTCACTGGGTTT[C>T]ATACCCTGCCACTCGATACCCAGAAGGCTGATTGGGCAACATGCTGCCATTTTGCCCTTG-3'
Protein context (NP_071505.2, residues 374-386): QPSGYRVAGY[Glu384Lys]TQ